The following is an entry in ClinVar:

ClinVar aggregate classification (germline): Pathogenic. Review status: criteria provided, multiple submitters, no conflicts (2 of 4 stars). 2 submissions from 2 submitters: Pathogenic (2). Last evaluated 2019-01-09.

Conditions:
MYO7A-related disorder. Also called: MYO7A-related disorders.

Submissions (2):

Labcorp Genetics (formerly Invitae), Labcorp
Classification: Pathogenic. Last evaluated: 2019-01-09. Review status: criteria provided, single submitter. Criteria: Invitae Variant Classification Sherloc (09022015). Collection method: clinical testing. Allele origin: germline.
Comment: This sequence change creates a premature translational stop signal (p.Gln2066Argfs*36) in the MYO7A gene. It is expected to result in an absent or disrupted protein product. This variant is not present in population databases (ExAC no frequency). This variant has been observed in several individuals affected withÂ¬â€ MYO7A-related conditions (PMID:Â¬â€ 9382091). Loss-of-function variants in MYO7A are known to be pathogenic (PMID: 8900236). For these reasons, this variant has been classified as Pathogenic.

Blueprint Genetics
Classification: Pathogenic for MYO7A-related disorders. Last evaluated: 2018-10-10. Review status: criteria provided, single submitter. Criteria: ACMG Guidelines, 2015. Collection method: clinical testing. Allele origin: germline. Affected: yes. Observed: 1 variant allele.

NM_000260.4(MYO7A):c.6196del (p.Gln2066fs)

Gene: MYO7A (myosin VIIA; plus strand). Cytogenetic location: 11q13.5.
Variant type: Deletion.
Coding change: c.6196del on transcript NM_000260.4 (MANE Select); coding-DNA position 6196, one base deleted (C; older notation c.6196delC).
Protein change: p.Gln2066fs; shifts the reading frame from glutamine 2066.
Molecular consequence: frameshift variant.
Genome position (GRCh38, 1-based): chr11:77,211,296, C deleted; the last of 4 consecutive C bases (chr11:77,211,293-77,211,296); deleting any one gives the same sequence. VCF-style (leftmost placement, unchanged base first): chr11-77211292-GC-G. GRCh37 (hg19) VCF-style: chr11-76922337-GC-G.
Other names: c.6082del, p.Gln2028fs (NM_001127180.2); c.6049del, p.Gln2017fs (NM_001369365.1); short protein forms Q2017fs, Q2028fs, Q2066fs.
Identifiers: ClinVar variation 649487 (VCV000649487.2), dbSNP rs1472611150, ClinGen allele CA680427298.